The following is an entry in ClinVar:

NM_001940.4(ATN1):c.1465C>G (p.Gln489Glu)

Genes: ATN1 (atrophin 1; plus strand), LOC109461484 (atrophin 1 repeat instability region; plus strand). Cytogenetic location: 12p13.31.
Variant type: single nucleotide variant.
Coding change: c.1465C>G on transcript NM_001940.4 (MANE Select); coding-DNA position 1465, C replaced by G.
Protein change: p.Gln489Glu; replaces glutamine 489 with glutamic acid.
Molecular consequence: missense variant.
Genome position (GRCh38, 1-based): chr12:6,936,732, C>G. VCF-style: chr12-6936732-C-G. GRCh37 (hg19) VCF-style: chr12-7045895-C-G.
Other names: c.1465C>G, p.Gln489Glu (NM_001007026.2, NM_001424176.1, NM_001424177.1 and 1 more transcripts); c.1462C>G, p.Gln488Glu (NM_001424179.1, NM_001424180.1, NM_001424182.1); short protein forms Q488E, Q489E.
Identifiers: ClinVar variation 3370105 (VCV003370105.1).

ClinVar aggregate classification (germline): Uncertain significance (1 of 4 stars; one submission).

Submission:

GeneDx
Classification: Uncertain significance. Last evaluated: 2024-01-13. Review status: criteria provided, single submitter. Criteria: GeneDx Variant Classification Process June 2021. Collection method: clinical testing. Allele origin: germline. Affected: yes.
Comment: Not observed at significant frequency in large population cohorts (gnomAD); In silico analysis supports that this missense variant does not alter protein structure/function; Has not been previously published as pathogenic or benign to our knowledge